The following is an entry in ClinVar:

ClinVar aggregate classification (germline): Uncertain significance (1 of 4 stars; one submission).

Conditions:
Hereditary cancer-predisposing syndrome. Also called: Tumor predisposition; Hereditary Cancer Syndrome; Neoplastic Syndromes, Hereditary; Hereditary neoplastic syndrome. Identifiers: Orphanet 140162, MedGen C0027672, MeSH D009386, MONDO:0015356.

Allele frequency attached by ClinVar (database versions not stated): gnomAD exomes below 0.00001.
gnomAD v4.1: 1 of 1,614,194 alleles (0.000062%); highest among the groups gnomAD compares: Non-Finnish European, 0.000085%; no homozygotes.

Submission:

Color Diagnostics, LLC DBA Color Health
Classification: Uncertain significance for Hereditary cancer-predisposing syndrome. Last evaluated: 2024-03-06. Review status: criteria provided, single submitter. Criteria: ACMG Guidelines, 2015. Collection method: clinical testing. Allele origin: germline.
Comment: This missense variant replaces proline with serine at codon 1048 of the BRIP1 protein. Computational prediction suggests that this variant may not impact protein structure and function (internally defined REVEL score threshold <= 0.5, PMID: 27666373). To our knowledge, functional studies have not been reported for this variant. This variant has not been reported in individuals affected with hereditary cancer in the literature. This variant has not been identified in the general population by the Genome Aggregation Database (gnomAD). The available evidence is insufficient to determine the role of this variant in disease conclusively. Therefore, this variant is classified as a Variant of Uncertain Significance.

NM_032043.3(BRIP1):c.3142C>T (p.Pro1048Ser)

Gene: BRIP1 (BRCA1 interacting DNA helicase 1; minus strand). Cytogenetic location: 17q23.2.
Variant type: single nucleotide variant.
Coding change: c.3142C>T on transcript NM_032043.3 (MANE Select); coding-DNA position 3142, C replaced by T.
Protein change: p.Pro1048Ser; replaces proline 1048 with serine.
Molecular consequence: missense variant.
Genome position (GRCh38, 1-based): chr17:61,683,904, G>A on the plus strand (C>T on the coding strand, the complement: BRIP1 is on the minus strand). VCF-style: chr17-61683904-G-A. GRCh37 (hg19) VCF-style: chr17-59761265-G-A.
Other names: short protein forms P1048S.
Identifiers: ClinVar variation 1332089 (VCV001332089.3), dbSNP rs2144086756, ClinGen allele CA400479575.